The following is an entry in ClinVar:

NM_001165963.4(SCN1A):c.3751A>T (p.Met1251Leu)

Genes: SCN1A (sodium voltage-gated channel alpha subunit 1; minus strand), LOC102724058 (uncharacterized LOC102724058; plus strand). Cytogenetic location: 2q24.3.
Variant type: single nucleotide variant.
Coding change: c.3751A>T on transcript NM_001165963.4 (MANE Select); coding-DNA position 3751, A replaced by T.
Protein change: p.Met1251Leu; replaces methionine 1251 with leucine.
Molecular consequence: missense variant. On other transcripts: non-coding transcript variant (1).
Genome position (GRCh38, 1-based): chr2:166,012,237, T>A on the plus strand (A>T on the coding strand, the complement: SCN1A is on the minus strand). VCF-style: chr2-166012237-T-A. GRCh37 (hg19) VCF-style: chr2-166868747-T-A.
Other names: c.3667A>T, p.Met1223Leu (NM_001165964.3, NM_001353957.2, NM_001353958.2); c.3751A>T, p.Met1251Leu (NM_001202435.3, NM_001353948.2); c.3718A>T, p.Met1240Leu (NM_001353949.2, NM_001353950.2, NM_001353951.2 and 2 more transcripts); c.3715A>T, p.Met1239Leu (NM_001353954.2, NM_001353955.2); c.3664A>T, p.Met1222Leu (NM_001353960.2); c.1309A>T, p.Met437Leu (NM_001353961.2); short protein forms M1222L, M1223L, M1239L, M1240L, M1251L, M437L.
Identifiers: ClinVar variation 4800271 (VCV004800271.1).

ClinVar aggregate classification (germline): Uncertain significance (1 of 4 stars; one submission).

Conditions:
Early-infantile DEE. Also called: Early infantile epileptic encephalopathy with suppression bursts; Early infantile epileptic encephalopathy; Ohtahara syndrome. Identifiers: Orphanet 1934, MedGen C0393706, MONDO:0800491.

Submission:

Labcorp Genetics (formerly Invitae), Labcorp
Classification: Uncertain significance for Early-infantile DEE. Last evaluated: 2025-07-21. Review status: criteria provided, single submitter. Criteria: Invitae Variant Classification Sherloc (09022015). Collection method: clinical testing. Allele origin: germline.
Comment: This sequence change replaces methionine, which is neutral and non-polar, with leucine, which is neutral and non-polar, at codon 1251 of the SCN1A protein (p.Met1251Leu). This variant is not present in population databases (gnomAD no frequency). This variant has not been reported in the literature in individuals affected with SCN1A-related conditions. Invitae Evidence Modeling of protein sequence and biophysical properties (such as structural, functional, and spatial information, amino acid conservation, physicochemical variation, residue mobility, and thermodynamic stability) indicates that this missense variant is not expected to disrupt SCN1A protein function with a negative predictive value of 95%. In summary, the available evidence is currently insufficient to determine the role of this variant in disease. Therefore, it has been classified as a Variant of Uncertain Significance.